The following is an entry in ClinVar:

NM_144718.4(SPICE1):c.1907A>C (p.Gln636Pro)

Genes: SPICE1 (spindle and centriole associated protein 1; minus strand), SPICE1-CFAP44 (SPICE1-CFAP44 readthrough (NMD candidate); minus strand). Cytogenetic location: 3q13.2.
Variant type: single nucleotide variant.
Coding change: c.1907A>C on transcript NM_144718.4 (MANE Select); coding-DNA position 1907, A replaced by C.
Protein change: p.Gln636Pro; replaces glutamine 636 with proline.
Molecular consequence: missense variant. On other transcripts: non-coding transcript variant (13).
Genome position (GRCh38, 1-based): chr3:113,453,701, T>G on the plus strand (A>C on the coding strand, the complement: SPICE1 is on the minus strand). VCF-style: chr3-113453701-T-G. GRCh37 (hg19) VCF-style: chr3-113172548-T-G.
Other names: c.1907A>C, p.Gln636Pro (NM_001331078.2, NM_001331079.2, NM_001387939.1); short protein forms Q636P.
Identifiers: ClinVar variation 2654044 (VCV002654044.24), dbSNP rs145510382, ClinGen allele CA2544834.

ClinVar aggregate classification (germline): Likely benign (1 of 4 stars; one submission).

Allele frequency attached by ClinVar (database versions not stated): gnomAD exomes 0.00319; 1000 Genomes Project 30x 0.00109; 1000 Genomes Project 0.00120; ESP Exome Variant Server 0.00269; gnomAD 0.00277; TOPMed 0.00277.
gnomAD v4.1: 5,060 of 1,614,090 alleles (0.31%); highest among the groups gnomAD compares: Middle Eastern, 0.87%; 21 homozygotes.

Submission:

CeGaT Center for Human Genetics Tuebingen
Classification: Likely benign. Last evaluated: 2022-11-01. Review status: criteria provided, single submitter. Criteria: CeGaT Center For Human Genetics Tuebingen Variant Classification Criteria Version 2. Collection method: clinical testing. Allele origin: germline. Affected: yes. Observed: 1 variant allele.
Comment: SPICE1: BP4, BS2